The following is an entry in ClinVar:

ClinVar aggregate classification (germline): Uncertain significance (1 of 4 stars; one submission).

Conditions:
Inborn genetic diseases. Identifiers: MedGen C0950123, MeSH D030342.

gnomAD v4.1: 7 of 1,609,720 alleles (0.00043%); highest among the groups gnomAD compares: African/African-American, 0.0067%; no homozygotes.

Submission:

Ambry Genetics
Classification: Uncertain significance for Inborn genetic diseases. Last evaluated: 2024-10-17. Review status: criteria provided, single submitter. Criteria: Ambry Variant Classification Scheme 2023. Collection method: clinical testing. Allele origin: germline.
Comment: The p.G21E variant (also known as c.62G>A), located in coding exon 1 of the USB1 gene, results from a G to A substitution at nucleotide position 62. The glycine at codon 21 is replaced by glutamic acid, an amino acid with similar properties. This amino acid position is conserved. In addition, this alteration is predicted to be tolerated by in silico analysis. Based on the available evidence, the clinical significance of this variant remains unclear.

NM_024598.4(USB1):c.62G>A (p.Gly21Glu)

Gene: USB1 (U6 snRNA biogenesis phosphodiesterase 1; plus strand). Cytogenetic location: 16q21.
Variant type: single nucleotide variant.
Coding change: c.62G>A on transcript NM_024598.4 (MANE Select); coding-DNA position 62, G replaced by A.
Protein change: p.Gly21Glu; replaces glycine 21 with glutamic acid.
Molecular consequence: missense variant. On other transcripts: intron variant (1).
Genome position (GRCh38, 1-based): chr16:58,001,545, G>A. VCF-style: chr16-58001545-G-A. GRCh37 (hg19) VCF-style: chr16-58035449-G-A.
Other names: c.62G>A, p.Gly21Glu (NM_001195302.2, NM_001204911.2, NM_001330569.2); c.-55-934G>A (NM_001330568.2); short protein forms G21E.
Identifiers: ClinVar variation 3466461 (VCV003466461.1).